The following is an entry in ClinVar:

ClinVar aggregate classification (germline): Uncertain significance (1 of 4 stars; one submission).

Submission:

Labcorp Genetics (formerly Invitae), Labcorp
Classification: Uncertain significance. Last evaluated: 2023-11-19. Review status: criteria provided, single submitter. Criteria: Invitae Variant Classification Sherloc (09022015). Collection method: clinical testing. Allele origin: germline.
Comment: This variant results in a copy number gain of the genomic region encompassing exon(s) 3-21 of the IGF1R gene. This region includes the termination codon of the gene. This copy number gain extends beyond the assayed region for this gene and therefore may encompass additional genes. As the precise location of this event is unknown, it may be in tandem or it may be located elsewhere in the genome. This variant has not been reported in the literature in individuals affected with IGF1R-related conditions. In summary, the available evidence is currently insufficient to determine the role of this variant in disease. Therefore, it has been classified as a Variant of Uncertain Significance.

NC_000015.9:g.(?_99434534)_(99505828_?)dup

Gene: IGF1R (insulin like growth factor 1 receptor; plus strand). Cytogenetic location: 15q26.3.
Variant type: Duplication.
Identifiers: ClinVar variation 2423431 (VCV002423431.4).